The following is an entry in ClinVar:

ClinVar aggregate classification (germline): Conflicting classifications of pathogenicity. Review status: criteria provided, conflicting classifications (1 of 4 stars). 2 submissions from 2 submitters: Likely pathogenic (1); Uncertain significance (1). Last evaluated 2025-03-25.

Conditions:
Recessive dystrophic epidermolysis bullosa (RDEB). Also called: DYSTROPHIC EPIDERMOLYSIS BULLOSA, AUTOSOMAL RECESSIVE; EPIDERMOLYSIS BULLOSA DYSTROPHICA, HALLOPEAU-SIEMENS TYPE; Recessive DEB (RDEB); Hallopeau-Siemens Disease; severe generalized recessive dystrophic epidermolysis bullosa; Epidermolysis Bullosa Distrophica Autosomal Recessive (RDEB). Identifiers: Orphanet 79408, Orphanet 79409, MedGen C0079474, MONDO:0009179, OMIM 226600.

Submissions (2):

Myriad Genetics, Inc.
Classification: Likely pathogenic for Recessive dystrophic epidermolysis bullosa. Last evaluated: 2025-03-25. Review status: criteria provided, single submitter. Criteria: Myriad Autosomal Dominant, Autosomal Recessive and X-Linked Classification Criteria (2023). Collection method: clinical testing. Allele origin: unknown.
Comment: NM_000094.3(COL7A1):c.7255G>A(G2419S) is a missense variant classified as likely pathogenic in the context of dystrophic epidermolysis bullosa. G2419S has been observed in a case with relevant disease (PMID: 32484238, 36287101). Relevant functional assessments of this variant are not available in the literature. Internal structural analysis of the variant is supportive of pathogenicity. G2419S has not been observed in referenced population frequency databases. In summary, NM_000094.3(COL7A1):c.7255G>A(G2419S) is a missense variant that has internal structural support for pathogenicity and has been observed more frequently in cases with the relevant disease than in healthy populations. Please note: this variant was assessed in the context of healthy population screening.

Women's Health and Genetics/Laboratory Corporation of America, LabCorp
Classification: Uncertain significance. Last evaluated: 2024-12-10. Review status: criteria provided, single submitter. Criteria: LabCorp Variant Classification Summary - May 2015. Collection method: clinical testing. Allele origin: germline.
Comment: Variant summary: COL7A1 c.7255G>A (p.Gly2419Ser) results in a non-conservative amino acid change in the encoded protein sequence. Five of five in-silico tools predict a damaging effect of the variant on protein function. The frequency data for this variant in gnomAD is considered unreliable, as metrics indicate poor data quality at this position. c.7255G>A has been reported in the literature in an individual affected with Dystrophic Epidermolysis Bullosa, Recessive (Chen_2020). These data do not allow any conclusion about variant significance. To our knowledge, no experimental evidence demonstrating an impact on protein function has been reported. The following publication has been ascertained in the context of this evaluation (PMID: 32484238). No submitters have cited clinical-significance assessments for this variant to ClinVar. Based on the evidence outlined above, the variant was classified as uncertain significance.

Literature cited by the submitters: PubMed 32484238 (cited by Myriad Genetics, Inc. and Women's Health and Genetics/Laboratory Corporation of America, LabCorp); PubMed 36287101 (cited by Myriad Genetics, Inc.).

NM_000094.4(COL7A1):c.7255G>A (p.Gly2419Ser)

Gene: COL7A1 (collagen type VII alpha 1 chain; minus strand). Cytogenetic location: 3p21.31.
Variant type: single nucleotide variant.
Coding change: c.7255G>A on transcript NM_000094.4 (MANE Select); coding-DNA position 7255, G replaced by A.
Protein change: p.Gly2419Ser; replaces glycine 2419 with serine.
Molecular consequence: missense variant.
Genome position (GRCh38, 1-based): chr3:48,570,878, C>T on the plus strand (G>A on the coding strand, the complement: COL7A1 is on the minus strand). VCF-style: chr3-48570878-C-T. GRCh37 (hg19) VCF-style: chr3-48608311-C-T.
Other names: short protein forms G2419S.
Identifiers: ClinVar variation 3768158 (VCV003768158.2).
Genomic context (GRCh38, chr3:48,570,878, plus strand): 5'-CATGGATTCACCATGCCCCTACATGCTGTTCCCAGCCCCTCACCCGCTCTCCACTAGGGC[C>T]TGGCTGACCCATCTCTCCTCGAGGGCCTGTCTGACCCGGGAACCCAACAACACCAGGAGC-3'
Protein context (NP_000085.1, residues 2409-2429): TGPRGEMGQP[Gly2419Ser]PSGERGLAGP